The following is an entry in ClinVar:

ClinVar aggregate classification (germline): Likely benign. Review status: reviewed by expert panel (3 of 4 stars). 4 submissions from 4 submitters: Likely benign (1). 3 of the submissions do not count toward it. Last evaluated 2017-06-29.

Conditions:
Hereditary cancer-predisposing syndrome. Also called: Tumor predisposition; Hereditary Cancer Syndrome; Hereditary neoplastic syndrome; Neoplastic Syndromes, Hereditary. Identifiers: Orphanet 140162, MedGen C0027672, MeSH D009386, MONDO:0015356.
Hereditary breast ovarian cancer syndrome. Also called: Breast and ovarian cancer; Hereditary breast and ovarian cancer syndrome; Hereditary breast and ovarian cancer; BRCA1- and BRCA2-Associated Hereditary Breast and Ovarian Cancer; Hereditary breast and ovarian cancer syndrome (HBOC); Hereditary breast and/or ovarian cancer syndrome. Identifiers: Orphanet 145, MedGen C0677776, MeSH D061325, MONDO:0003582. Disease mechanism: loss of function.
Breast-ovarian cancer, familial, susceptibility to, 2 (BROVCA2). Also called: BRCA2 Hereditary Breast and Ovarian Cancer. Identifiers: Orphanet 145, MedGen C2675520, MONDO:0012933, OMIM 612555. Disease mechanism: loss of function.

Allele frequency attached by ClinVar (database versions not stated): gnomAD exomes below 0.00001.
gnomAD v4.1: 1 of 1,571,536 alleles (0.000064%); highest among the groups gnomAD compares: African/African-American, 0.0014%; no homozygotes.

Submissions (4):

Evidence-based Network for the Interpretation of Germline Mutant Alleles (ENIGMA)
Classification: Likely benign for Breast-ovarian cancer, familial, susceptibility to, 2. Last evaluated: 2017-06-29. Review status: reviewed by expert panel. Criteria: ENIGMA BRCA1/2 Classification Criteria (2017-06-29). Collection method: curation. Allele origin: germline.
Comment: Synonymous substitution variant, with low bioinformatic likelihood to result in a splicing aberration (Splicing prior probability 0.02).

Labcorp Genetics (formerly Invitae), Labcorp
Classification: Likely benign for Hereditary breast ovarian cancer syndrome. Last evaluated: 2022-11-07. Review status: criteria provided, single submitter. Criteria: Invitae Variant Classification Sherloc (09022015). Collection method: clinical testing. Allele origin: germline. Not counted in ClinVar's aggregate classification.

GeneDx
Classification: Likely benign. Last evaluated: 2017-06-12. Review status: criteria provided, single submitter. Criteria: GeneDx Variant Classification (06012015). Collection method: clinical testing. Allele origin: germline. Affected: yes. Not counted in ClinVar's aggregate classification.
Comment: This variant is considered likely benign or benign based on one or more of the following criteria: it is a conservative change, it occurs at a poorly conserved position in the protein, it is predicted to be benign by multiple in silico algorithms, and/or has population frequency not consistent with disease.

Ambry Genetics
Classification: Likely benign for Hereditary cancer-predisposing syndrome. Last evaluated: 2016-07-28. Review status: criteria provided, single submitter. Criteria: Ambry Variant Classification Scheme 2023. Collection method: clinical testing. Allele origin: germline. Not counted in ClinVar's aggregate classification.

NM_000059.4(BRCA2):c.3930T>C (p.Thr1310=)

Gene: BRCA2 (BRCA2 DNA repair associated; plus strand). Cytogenetic location: 13q13.1.
Variant type: single nucleotide variant.
Coding change: c.3930T>C on transcript NM_000059.4 (MANE Select); coding-DNA position 3930, T replaced by C.
Protein change: p.Thr1310=; no amino-acid change (threonine 1310 retained).
Molecular consequence: synonymous variant.
Genome position (GRCh38, 1-based): chr13:32,338,285, T>C. VCF-style: chr13-32338285-T-C. GRCh37 (hg19) VCF-style: chr13-32912422-T-C.
Identifiers: ClinVar variation 184832 (VCV000184832.10), dbSNP rs786201722, ClinGen allele CA019217.